The following is an entry in ClinVar:

NM_000032.5(ALAS2):c.69C>T (p.Gly23=)

Genes: ALAS2 (5'-aminolevulinate synthase 2; minus strand), LOC108663984 (ALAS2 intron 1 and 3 erythroid regulatory elements; plus strand). Cytogenetic location: Xp11.21.
Variant type: single nucleotide variant.
Coding change: c.69C>T on transcript NM_000032.5 (MANE Select); coding-DNA position 69, C replaced by T.
Protein change: p.Gly23=; no amino-acid change (glycine 23 retained).
Molecular consequence: synonymous variant.
Genome position (GRCh38, 1-based): chrX:55,025,932, G>A on the plus strand (C>T on the coding strand, the complement: ALAS2 is on the minus strand). VCF-style: chrX-55025932-G-A. GRCh37 (hg19) VCF-style: chrX-55052365-G-A.
Other names: c.69C>T, p.Gly23= (NM_001037967.4); c.141C>T, p.Gly47= (NM_001037968.4).
Identifiers: ClinVar variation 2178460 (VCV002178460.4), dbSNP rs888583846, ClinGen allele CA328976432.
Genomic context (GRCh38, chrX:55,025,932, plus strand): 5'-GGTAGCCAGGATGGGACAGCGTCCAATACCAAACAGGAACTGGTGAGTCTTAACCACCTT[G>A]CCTAGGAGGCTTGTGGGGCCCCGGGCAAGCACTGGGCAGCACTGTAGCAGCATGGCTGCA-3'
Protein context (NP_000023.2, residues 13-33): VLARGPTSLL[Gly23=]KVVKTHQFLF

ClinVar aggregate classification (germline): Uncertain significance (1 of 4 stars; one submission).

Allele frequency attached by ClinVar (database versions not stated): gnomAD exomes 0.00001; TOPMed 0.00001.
gnomAD v4.1: 6 of 1,211,051 alleles (0.0005%); highest among the groups gnomAD compares: Non-Finnish European, 0.00067%; no homozygotes.

Submission:

Labcorp Genetics (formerly Invitae), Labcorp
Classification: Uncertain significance. Last evaluated: 2024-10-28. Review status: criteria provided, single submitter. Criteria: Invitae Variant Classification Sherloc (09022015). Collection method: clinical testing. Allele origin: germline.
Comment: This sequence change affects codon 23 of the ALAS2 mRNA. It is a 'silent' change, meaning that it does not change the encoded amino acid sequence of the ALAS2 protein. This variant is present in population databases (no rsID available, gnomAD 0.001%). This variant has not been reported in the literature in individuals affected with ALAS2-related conditions. ClinVar contains an entry for this variant (Variation ID: 2178460). Algorithms developed to predict the effect of sequence changes on RNA splicing suggest that this variant may disrupt the consensus splice site. In summary, the available evidence is currently insufficient to determine the role of this variant in disease. Therefore, it has been classified as a Variant of Uncertain Significance.